The following is an entry in ClinVar:

NM_006269.2(RP1):c.5066G>C (p.Ser1689Thr)

Genes: RP1 (RP1 axonemal microtubule associated; plus strand), LOC126860392 (CDK7 strongly-dependent group 2 enhancer GRCh37_chr8:55541319-55542518; plus strand). Cytogenetic location: 8q12.1.
Variant type: single nucleotide variant.
Coding change: c.5066G>C on transcript NM_006269.2 (MANE Select); coding-DNA position 5066, G replaced by C.
Protein change: p.Ser1689Thr; replaces serine 1689 with threonine.
Molecular consequence: missense variant. On other transcripts: intron variant (1).
Genome position (GRCh38, 1-based): chr8:54,628,948, G>C. VCF-style: chr8-54628948-G-C. GRCh37 (hg19) VCF-style: chr8-55541508-G-C.
Other names: c.5066G>C (NM_006269.1); c.787+6660G>C (NM_001375654.1); short protein forms S1689T.
Identifiers: ClinVar variation 2900745 (VCV002900745.4), dbSNP rs376019820, ClinGen allele CA4751997.

ClinVar aggregate classification (germline): Uncertain significance. Review status: criteria provided, multiple submitters, no conflicts (2 of 4 stars). 2 submissions from 2 submitters: Uncertain significance (2). Last evaluated 2025-01-24.

Conditions:
Inborn genetic diseases. Identifiers: MedGen C0950123, MeSH D030342.

gnomAD v4.1: 6 of 1,613,998 alleles (0.00037%); highest among the groups gnomAD compares: Non-Finnish European, 0.00051%; no homozygotes.

Submissions (2):

Ambry Genetics
Classification: Uncertain significance for Inborn genetic diseases. Last evaluated: 2025-01-24. Review status: criteria provided, single submitter. Criteria: Ambry Variant Classification Scheme 2023. Collection method: clinical testing. Allele origin: germline.

Labcorp Genetics (formerly Invitae), Labcorp
Classification: Uncertain significance. Last evaluated: 2024-08-28. Review status: criteria provided, single submitter. Criteria: Invitae Variant Classification Sherloc (09022015). Collection method: clinical testing. Allele origin: germline.
Comment: This sequence change replaces serine, which is neutral and polar, with threonine, which is neutral and polar, at codon 1689 of the RP1 protein (p.Ser1689Thr). This variant is present in population databases (rs376019820, gnomAD 0.0009%). This variant has not been reported in the literature in individuals affected with RP1-related conditions. An algorithm developed to predict the effect of missense changes on protein structure and function outputs the following: PolyPhen-2: "Benign". The threonine amino acid residue is found in multiple mammalian species, which suggests that this missense change does not adversely affect protein function. In summary, the available evidence is currently insufficient to determine the role of this variant in disease. Therefore, it has been classified as a Variant of Uncertain Significance.